The following is an entry in ClinVar:

ClinVar aggregate classification (germline): Uncertain significance (1 of 4 stars; one submission).

Conditions:
Colorectal cancer, hereditary nonpolyposis, type 7. Identifiers: Orphanet 144, MedGen C1858380, MONDO:0013725, OMIM 614385.

Submission:

Labcorp Genetics (formerly Invitae), Labcorp
Classification: Uncertain significance for Colorectal cancer, hereditary nonpolyposis, type 7. Last evaluated: 2024-02-08. Review status: criteria provided, single submitter. Criteria: Invitae Variant Classification Sherloc (09022015). Collection method: clinical testing. Allele origin: germline.
Comment: This sequence change replaces threonine, which is neutral and polar, with serine, which is neutral and polar, at codon 1119 of the MLH3 protein (p.Thr1119Ser). This variant is not present in population databases (gnomAD no frequency). This variant has not been reported in the literature in individuals affected with MLH3-related conditions. An algorithm developed to predict the effect of missense changes on protein structure and function (PolyPhen-2) suggests that this variant is likely to be tolerated. In summary, the available evidence is currently insufficient to determine the role of this variant in disease. Therefore, it has been classified as a Variant of Uncertain Significance.

NM_001040108.2(MLH3):c.3356C>G (p.Thr1119Ser)

Gene: MLH3 (mutL homolog 3; minus strand). Cytogenetic location: 14q24.3.
Variant type: single nucleotide variant.
Coding change: c.3356C>G on transcript NM_001040108.2 (MANE Select); coding-DNA position 3356, C replaced by G.
Protein change: p.Thr1119Ser; replaces threonine 1119 with serine.
Molecular consequence: missense variant.
Genome position (GRCh38, 1-based): chr14:75,042,402, G>C on the plus strand (C>G on the coding strand, the complement: MLH3 is on the minus strand). VCF-style: chr14-75042402-G-C. GRCh37 (hg19) VCF-style: chr14-75509105-G-C.
Other names: c.3356C>G, p.Thr1119Ser (NM_014381.3); short protein forms T1119S.
Identifiers: ClinVar variation 3669027 (VCV003669027.2).